The following is an entry in ClinVar:

NM_004380.3(CREBBP):c.5703G>C (p.Gln1901His)

Gene: CREBBP (CREB binding lysine acetyltransferase; minus strand). Cytogenetic location: 16p13.3.
Variant type: single nucleotide variant.
Coding change: c.5703G>C on transcript NM_004380.3 (MANE Select); coding-DNA position 5703, G replaced by C.
Protein change: p.Gln1901His; replaces glutamine 1901 with histidine.
Molecular consequence: missense variant.
Genome position (GRCh38, 1-based): chr16:3,729,344, C>G on the plus strand (G>C on the coding strand, the complement: CREBBP is on the minus strand). VCF-style: chr16-3729344-C-G. GRCh37 (hg19) VCF-style: chr16-3779345-C-G.
Other names: c.5589G>C, p.Gln1863His (NM_001079846.1); short protein forms Q1863H, Q1901H.
Identifiers: ClinVar variation 3349144 (VCV003349144.1).

ClinVar aggregate classification (germline): Uncertain significance (0 of 4 stars; one submission).

Conditions:
CREBBP-related disorder. Also called: CREBBP-related condition; CREBBP-related disorders.

Submission:

PreventionGenetics, part of Exact Sciences
Classification: Uncertain significance for CREBBP-related condition. Last evaluated: 2023-10-27. Review status: no assertion criteria provided. Collection method: clinical testing. Allele origin: germline.
Comment: The CREBBP c.5703G>C variant is predicted to result in the amino acid substitution p.Gln1901His. To our knowledge, this variant has not been reported in the literature or in a large population database, indicating this variant is rare. At this time, the clinical significance of this variant is uncertain due to the absence of conclusive functional and genetic evidence.